The following is an entry in ClinVar:

NM_006096.4(NDRG1):c.1042G>C (p.Glu348Gln)

Gene: NDRG1 (N-myc downstream regulated 1; minus strand). Cytogenetic location: 8q24.22.
Variant type: single nucleotide variant.
Coding change: c.1042G>C on transcript NM_006096.4 (MANE Select); coding-DNA position 1042, G replaced by C.
Protein change: p.Glu348Gln; replaces glutamic acid 348 with glutamine.
Molecular consequence: missense variant.
Genome position (GRCh38, 1-based): chr8:133,239,021, C>G on the plus strand (G>C on the coding strand, the complement: NDRG1 is on the minus strand). VCF-style: chr8-133239021-C-G. GRCh37 (hg19) VCF-style: chr8-134251264-C-G.
Other names: c.1042G>C, p.Glu348Gln (NM_001135242.2, NM_001374845.1, NM_001374846.1); c.844G>C, p.Glu282Gln (NM_001258432.2, NM_001374847.1); c.799G>C, p.Glu267Gln (NM_001258433.2); c.1093G>C, p.Glu365Gln (NM_001374844.1); short protein forms E267Q, E282Q, E348Q, E365Q.
Identifiers: ClinVar variation 652289 (VCV000652289.7), dbSNP rs775650624, ClinGen allele CA372254467.
Genomic context (GRCh38, chr8:133,239,021, plus strand): 5'-CGCTGGTGTGCGAGCGGCTGCGGGTGCCCTCGCTGGTGTGGGAGCGGCTTCGGGTGCCCT[C>G]GCTGGTGTGGGAGCGGCTGCGGGTGCCATCCAGAGAAGTGACGCTGGAACCAGAGGCTGT-3'
Protein context (NP_006087.2, residues 338-358): DGTRSRSHTS[Glu348Gln]GTRSRSHTSE

ClinVar aggregate classification (germline): Uncertain significance (1 of 4 stars; one submission).

Conditions:
Charcot-Marie-Tooth disease type 4. Also called: Charcot-Marie-Tooth disease, type IV; Charcot-Marie-Tooth, Type 4. Identifiers: Orphanet 64749, MedGen C4082197, MONDO:0018995.

Submission:

Labcorp Genetics (formerly Invitae), Labcorp
Classification: Uncertain significance for Charcot-Marie-Tooth disease type 4. Last evaluated: 2022-07-06. Review status: criteria provided, single submitter. Criteria: Invitae Variant Classification Sherloc (09022015). Collection method: clinical testing. Allele origin: germline.
Comment: In summary, the available evidence is currently insufficient to determine the role of this variant in disease. Therefore, it has been classified as a Variant of Uncertain Significance. Algorithms developed to predict the effect of missense changes on protein structure and function are either unavailable or do not agree on the potential impact of this missense change (SIFT: "Tolerated"; PolyPhen-2: "Probably Damaging"; Align-GVGD: "Class C0"). ClinVar contains an entry for this variant (Variation ID: 652289). This variant has not been reported in the literature in individuals affected with NDRG1-related conditions. This variant is not present in population databases (gnomAD no frequency). This sequence change replaces glutamic acid, which is acidic and polar, with glutamine, which is neutral and polar, at codon 348 of the NDRG1 protein (p.Glu348Gln).